The following is an entry in ClinVar:

NM_000038.6(APC):c.835-1816A>G

Gene: APC (APC regulator of WNT signaling pathway; plus strand). Cytogenetic location: 5q22.2.
Variant type: single nucleotide variant.
Coding change: c.835-1816A>G on transcript NM_000038.6 (MANE Select); 1816 bases into the intron before coding-DNA position 835, A replaced by G.
Molecular consequence: intron variant.
Genome position (GRCh38, 1-based): chr5:112,813,679, A>G. VCF-style: chr5-112813679-A-G. GRCh37 (hg19) VCF-style: chr5-112149376-A-G.
Other names: c.835-1816A>G (NM_001354895.2, NM_001127510.3, NM_001354896.2 and 1 more transcripts); c.865-1816A>G (NM_001354897.2, NM_001354902.2); c.781-1816A>G (NM_001127511.3); c.760-1816A>G (NM_001354898.2, NM_001354904.2); c.-15-1816A>G (NM_001354906.2); c.751-1816A>G (NM_001354899.2); c.658-1816A>G (NM_001354900.2, NM_001354901.2, NM_001354905.2).
Identifiers: ClinVar variation 82551 (VCV000082551.2), dbSNP rs79687866, ClinGen allele CA015101.

ClinVar aggregate classification (germline): other (0 of 4 stars; one submission).

Conditions:
Familial colorectal cancer. Identifiers: MedGen CN280943, MONDO:0023113. Disease mechanism: loss of function.

Submission:

Systems Biology Platform Zhejiang California International NanoSystems Institute
Classification: other for Familial colorectal cancer. Review status: no assertion criteria provided. Collection method: not provided. Allele origin: unknown.
ClinVar note: Converted during submission from cancer to other.